The following is an entry in ClinVar:

ClinVar aggregate classification (germline): Uncertain significance (1 of 4 stars; one submission).

Submission:

GeneDx
Classification: Uncertain significance. Last evaluated: 2024-07-11. Review status: criteria provided, single submitter. Criteria: GeneDx Variant Classification Process June 2021. Collection method: clinical testing. Allele origin: germline. Affected: yes.
Comment: Not observed at significant frequency in large population cohorts (gnomAD); In silico analysis supports that this missense variant has a deleterious effect on protein structure/function; Has not been previously published as pathogenic or benign to our knowledge

NM_003660.4(PPFIA3):c.2512T>C (p.Trp838Arg)

Gene: PPFIA3 (PTPRF interacting protein alpha 3; plus strand). Cytogenetic location: 19q13.33.
Variant type: single nucleotide variant.
Coding change: c.2512T>C on transcript NM_003660.4 (MANE Select); coding-DNA position 2512, T replaced by C.
Protein change: p.Trp838Arg; replaces tryptophan 838 with arginine.
Molecular consequence: missense variant. On other transcripts: non-coding transcript variant (1).
Genome position (GRCh38, 1-based): chr19:49,142,083, T>C. VCF-style: chr19-49142083-T-C. GRCh37 (hg19) VCF-style: chr19-49645340-T-C.
Other names: short protein forms W838R.
Identifiers: ClinVar variation 3572685 (VCV003572685.1).